The following is an entry in ClinVar:

ClinVar aggregate classification (germline): Conflicting classifications of pathogenicity. Review status: criteria provided, conflicting classifications (1 of 4 stars). 3 submissions from 3 submitters: Uncertain significance (2); Likely benign (1). Last evaluated 2024-03-30.

Conditions:
Hereditary cancer-predisposing syndrome. Also called: Neoplastic Syndromes, Hereditary; Tumor predisposition; Hereditary neoplastic syndrome; Hereditary Cancer Syndrome. Identifiers: Orphanet 140162, MedGen C0027672, MeSH D009386, MONDO:0015356.

Submissions (3):

Ambry Genetics
Classification: Uncertain significance for Hereditary cancer-predisposing syndrome. Last evaluated: 2024-03-30. Review status: criteria provided, single submitter. Criteria: Ambry Variant Classification Scheme 2023. Collection method: clinical testing. Allele origin: germline.
Comment: The p.Y422F variant (also known as c.1265A>T), located in coding exon 9 of the BRCA1 gene, results from an A to T substitution at nucleotide position 1265. The tyrosine at codon 422 is replaced by phenylalanine, an amino acid with highly similar properties. This amino acid position is conserved. In addition, this alteration is predicted to be tolerated by in silico analysis. Since supporting evidence is limited at this time, the clinical significance of this alteration remains unclear.

University of Washington Department of Laboratory Medicine, University of Washington
Classification: Likely benign for Hereditary cancer-predisposing syndrome. Last evaluated: 2023-03-23. Review status: criteria provided, single submitter. Criteria: Dines et al. (Genet Med. 2020). Collection method: curation. Allele origin: germline.
Comment: Missense variant in a coldspot region where missense variants are very unlikely to be pathogenic (PMID:31911673).

BRCA1 coldspot (exon 11 using historical exon numbering). Reclassification based on statistical prior probability

Color Diagnostics, LLC DBA Color Health
Classification: Uncertain significance for Hereditary cancer-predisposing syndrome. Last evaluated: 2019-04-12. Review status: criteria provided, single submitter. Criteria: ACMG Guidelines, 2015. Collection method: clinical testing. Allele origin: germline.

NM_007294.4(BRCA1):c.1265A>T (p.Tyr422Phe)

Gene: BRCA1 (BRCA1 DNA repair associated; minus strand). Cytogenetic location: 17q21.31.
Variant type: single nucleotide variant.
Coding change: c.1265A>T on transcript NM_007294.4 (MANE Select); coding-DNA position 1265, A replaced by T.
Protein change: p.Tyr422Phe; replaces tyrosine 422 with phenylalanine.
Molecular consequence: missense variant. On other transcripts: intron variant (137).
Genome position (GRCh38, 1-based): chr17:43,094,266, T>A on the plus strand (A>T on the coding strand, the complement: BRCA1 is on the minus strand). VCF-style: chr17-43094266-T-A. GRCh37 (hg19) VCF-style: chr17-41246283-T-A.
Other names: c.1124A>T, p.Tyr375Phe (NM_001407694.1, NM_001407695.1, NM_001407696.1 and 29 more transcripts); c.1121A>T, p.Tyr374Phe (NM_001407740.1, NM_001407741.1, NM_001407742.1 and 20 more transcripts); c.1052A>T, p.Tyr351Phe (NM_001407853.1, NM_001407894.1, NM_001407895.1 and 9 more transcripts); c.1265A>T, p.Tyr422Phe (NM_001407854.1, NM_001407858.1, NM_001407859.1 and 30 more transcripts); c.1262A>T, p.Tyr421Phe (NM_001407860.1, NM_001407861.1, NM_001407587.1 and 22 more transcripts); c.1064A>T, p.Tyr355Phe (NM_001407862.1); c.1142A>T, p.Tyr381Phe (NM_001407863.1, NM_001407919.1, NM_001407937.1 and 19 more transcripts); c.1061A>T, p.Tyr354Phe (NM_001407874.1, NM_001407875.1); and 40 more; short protein forms Y422F, Y375F, Y126F, Y355F, Y381F, Y396F, Y295F, Y311F.
Identifiers: ClinVar variation 628112 (VCV000628112.9), dbSNP rs1567800230, ClinGen allele CA10599524.